The following is an entry in ClinVar:

NM_016592.5(GNAS):c.246G>A (p.Ser82=)

Genes: GNAS (GNAS complex locus; plus strand), GNAS-AS1 (GNAS antisense RNA 1; minus strand). Cytogenetic location: 20q13.32.
Variant type: single nucleotide variant.
Coding change: c.246G>A on transcript NM_016592.5 (MANE Plus Clinical); coding-DNA position 246, G replaced by A.
Protein change: p.Ser82=; no amino-acid change (serine 82 retained).
Molecular consequence: synonymous variant. On other transcripts: 5 prime UTR variant (1).
Genome position (GRCh38, 1-based): chr20:58,840,352, G>A. VCF-style: chr20-58840352-G-A. GRCh37 (hg19) VCF-style: chr20-57415407-G-A.
Other names: c.-492G>A (NM_001410912.1).
Identifiers: ClinVar variation 4984900 (VCV004984900.1).

ClinVar aggregate classification (germline): Likely benign (1 of 4 stars; one submission).

Conditions:
GNAS-related disorder. Identifiers: MedGen CN380105.

gnomAD v4.1: 18 of 1,613,194 alleles (0.0011%); highest among the groups gnomAD compares: Non-Finnish European, 0.0015%; no homozygotes.

Submission:

PreventionGenetics, part of Exact Sciences
Classification: Likely benign for GNAS-related condition. Last evaluated: 2024-12-17. Review status: criteria provided, single submitter. Criteria: ACMG Guidelines, 2015. Collection method: clinical testing. Allele origin: germline.
Comment: This variant is classified as likely benign based on ACMG/AMP sequence variant interpretation guidelines (Richards et al. 2015 PMID: 25741868, with internal and published modifications).